The following is an entry in ClinVar:

NM_001114753.3(ENG):c.496C>T (p.Gln166Ter)

Gene: ENG (endoglin; minus strand). Cytogenetic location: 9q34.11.
Variant type: single nucleotide variant.
Coding change: c.496C>T on transcript NM_001114753.3 (MANE Select); coding-DNA position 496, C replaced by T.
Protein change: p.Gln166Ter; replaces glutamine 166 with a stop codon.
Molecular consequence: nonsense. On other transcripts: 5 prime UTR variant (1).
Genome position (GRCh38, 1-based): chr9:127,826,537, G>A on the plus strand (C>T on the coding strand, the complement: ENG is on the minus strand). VCF-style: chr9-127826537-G-A. GRCh37 (hg19) VCF-style: chr9-130588816-G-A.
Other names: c.496C>T, p.Gln166Ter (NM_000118.4, NM_001406715.1); c.-51C>T (NM_001278138.2); short protein forms Q166*.
Identifiers: ClinVar variation 3728392 (VCV003728392.2).

ClinVar aggregate classification (germline): Pathogenic (1 of 4 stars; one submission).

Conditions:
Hereditary hemorrhagic telangiectasia (HHT). Also called: ORW DISEASE; Osler Weber Rendu syndrome; OSLER-RENDU-WEBER DISEASE; Osler hemorrhagic telangiectasia syndrome. Identifiers: Orphanet 774, MedGen C0039445, MONDO:0019180. Disease mechanism: loss of function.

Submission:

Labcorp Genetics (formerly Invitae), Labcorp
Classification: Pathogenic for Hereditary hemorrhagic telangiectasia. Last evaluated: 2025-09-15. Review status: criteria provided, single submitter. Criteria: Invitae Variant Classification Sherloc (09022015). Collection method: clinical testing. Allele origin: germline.
Comment: This sequence change creates a premature translational stop signal (p.Gln166*) in the ENG gene. It is expected to result in an absent or disrupted protein product. Loss-of-function variants in ENG are known to be pathogenic (PMID: 15879500). This variant is not present in population databases (gnomAD no frequency). This variant has not been reported in the literature in individuals affected with ENG-related conditions. ClinVar contains an entry for this variant (Variation ID: 3728392). For these reasons, this variant has been classified as Pathogenic.

Literature cited by the submitters: PubMed 15879500.